The following is an entry in ClinVar:

NM_005633.4(SOS1):c.216A>G (p.Glu72=)

Gene: SOS1 (SOS Ras/Rac guanine nucleotide exchange factor 1; minus strand). Cytogenetic location: 2p22.1.
Variant type: single nucleotide variant.
Coding change: c.216A>G on transcript NM_005633.4 (MANE Select); coding-DNA position 216, A replaced by G.
Protein change: p.Glu72=; no amino-acid change (glutamic acid 72 retained).
Molecular consequence: synonymous variant.
Genome position (GRCh38, 1-based): chr2:39,058,802, T>C on the plus strand (A>G on the coding strand, the complement: SOS1 is on the minus strand). VCF-style: chr2-39058802-T-C. GRCh37 (hg19) VCF-style: chr2-39285943-T-C.
Other names: c.195A>G, p.Glu65= (NM_001382394.1); c.216A>G, p.Glu72= (NM_001382395.1).
Identifiers: ClinVar variation 1787048 (VCV001787048.6), dbSNP rs368052091, ClinGen allele CA1624829.

ClinVar aggregate classification (germline): Conflicting classifications of pathogenicity. Review status: criteria provided, conflicting classifications (1 of 4 stars). 2 submissions from 2 submitters: Uncertain significance (1); Likely benign (1). Last evaluated 2026-01-31.

Conditions:
Cardiovascular phenotype. Identifiers: MedGen CN230736.
RASopathy. Also called: rasopathies; Noonan spectrum disorder. Identifiers: Orphanet 536391, MedGen C5555857, MONDO:0021060.

Allele frequency attached by ClinVar (database versions not stated): gnomAD 0.00001; TOPMed 0.00001; gnomAD exomes 0.00001; ESP Exome Variant Server 0.00023; ExAC 0.00002.
gnomAD v4.1: 7 of 1,611,104 alleles (0.00043%); highest among the groups gnomAD compares: Non-Finnish European, 0.00059%; no homozygotes.

Submissions (2):

Labcorp Genetics (formerly Invitae), Labcorp
Classification: Likely benign for RASopathy. Last evaluated: 2026-01-31. Review status: criteria provided, single submitter. Criteria: Invitae Variant Classification Sherloc (09022015). Collection method: clinical testing. Allele origin: germline.

Ambry Genetics
Classification: Uncertain significance for Cardiovascular phenotype. Last evaluated: 2024-09-04. Review status: criteria provided, single submitter. Criteria: Ambry Variant Classification Scheme 2023. Collection method: clinical testing. Allele origin: germline.
Comment: The c.216A>G variant (also known as p.E72E), located in coding exon 3 of the SOS1 gene, results from an A to G substitution at nucleotide position 216. This nucleotide substitution does not change the glutamic acid at codon 72. This nucleotide position is not well conserved in available vertebrate species. In silico splice site analysis predicts that this alteration may result in the creation or strengthening of a novel splice acceptor site. Since supporting evidence is limited at this time, the clinical significance of this alteration remains unclear.